The following is an entry in ClinVar:

ClinVar aggregate classification (germline): Uncertain significance (1 of 4 stars; one submission).

Allele frequency attached by ClinVar (database versions not stated): TOPMed below 0.00001; gnomAD 0.00001.
gnomAD v4.1: 1 of 1,609,142 alleles (0.000062%); highest among the groups gnomAD compares: Non-Finnish European, 0.000085%; no homozygotes.

Submission:

Labcorp Genetics (formerly Invitae), Labcorp
Classification: Uncertain significance. Last evaluated: 2023-09-30. Review status: criteria provided, single submitter. Criteria: Invitae Variant Classification Sherloc (09022015). Collection method: clinical testing. Allele origin: germline.
Comment: In summary, the available evidence is currently insufficient to determine the role of this variant in disease. Therefore, it has been classified as a Variant of Uncertain Significance. An algorithm developed to predict the effect of missense changes on protein structure and function (PolyPhen-2) suggests that this variant is likely to be disruptive. This variant has not been reported in the literature in individuals affected with KLHL7-related conditions. This variant is not present in population databases (gnomAD no frequency). This sequence change replaces leucine, which is neutral and non-polar, with proline, which is neutral and non-polar, at codon 18 of the KLHL7 protein (p.Leu18Pro).

NM_001031710.3(KLHL7):c.53T>C (p.Leu18Pro)

Gene: KLHL7 (kelch like family member 7; plus strand). Cytogenetic location: 7p15.3.
Variant type: single nucleotide variant.
Coding change: c.53T>C on transcript NM_001031710.3 (MANE Select); coding-DNA position 53, T replaced by C.
Protein change: p.Leu18Pro; replaces leucine 18 with proline.
Molecular consequence: missense variant. On other transcripts: non-coding transcript variant (2).
Genome position (GRCh38, 1-based): chr7:23,106,079, T>C. VCF-style: chr7-23106079-T-C. GRCh37 (hg19) VCF-style: chr7-23145698-T-C.
Other names: c.53T>C, p.Leu18Pro (NM_001172428.2); short protein forms L18P.
Identifiers: ClinVar variation 2764669 (VCV002764669.3), dbSNP rs1425742767, ClinGen allele CA366972563.